The following is an entry in ClinVar:

NM_000138.5(FBN1):c.6249_6254del (p.Cys2084_Cys2085del)

Gene: FBN1 (fibrillin 1; minus strand). Cytogenetic location: 15q21.1.
Variant type: Deletion.
Coding change: c.6249_6254del on transcript NM_000138.5 (MANE Select); coding-DNA positions 6249 to 6254, 6 bases deleted (CTGCTG; older notation c.6249_6254delCTGCTG).
Protein change: p.Cys2084_Cys2085del.
Molecular consequence: inframe deletion.
Genome position (GRCh38, 1-based): chr15:48,437,827-48,437,832, CAGCAG deleted on the plus strand (CTGCTG on the coding strand, the reverse complement: FBN1 is on the minus strand); deleting any 6 consecutive bases within chr15:48,437,827-48,437,834 gives the same sequence; the c. name uses the placement nearest the transcript's 3' end. VCF-style (leftmost placement, unchanged base first): chr15-48437826-ACAGCAG-A. GRCh37 (hg19) VCF-style: chr15-48730023-ACAGCAG-A.
Identifiers: ClinVar variation 1454441 (VCV001454441.6), dbSNP rs2141241487, ClinGen allele CA2573150939.
Genomic context (GRCh38, chr15:48,437,826, plus strand): 5'-ACCATCAGGTTCCGTGGGGCAGAGCTCGCAGGGGTCTCCCCAGCCTTCTCCCTTCAAGGC[ACAGCAG>A]CATTCCTGCTTGGAGTGATTTCTGGATTTGGGTGATGAACACTTTCCTCCTTCAAACTTC-3'

ClinVar aggregate classification (germline): Pathogenic (1 of 4 stars; one submission).

Conditions:
Marfan syndrome (MFS). Also called: MARFAN SYNDROME, TYPE I; Marfan syndrome type 1; Marfan's syndrome; Marfan syndrome, classic; FBN1-Related Marfan Syndrome. Identifiers: Orphanet 284963, Orphanet 558, MedGen C0024796, MONDO:0007947, OMIM 154700.
Familial thoracic aortic aneurysm and aortic dissection (TAAD). Also called: Thoracic aortic aneurysms and dissections. Identifiers: Orphanet 91387, MedGen C4707243, MONDO:0019625.

Submission:

Labcorp Genetics (formerly Invitae), Labcorp
Classification: Pathogenic for Marfan syndrome; Familial thoracic aortic aneurysm and aortic dissection. Last evaluated: 2021-08-21. Review status: criteria provided, single submitter. Criteria: Invitae Variant Classification Sherloc (09022015). Collection method: clinical testing. Allele origin: germline.
Comment: This variant disrupts the p.Cys2085 amino acid residue in FBN1. Other variant(s) that disrupt this residue have been observed in individuals with FBN1-related conditions (PMID: 16220557, 25907466; Invitae), which suggests that this may be a clinically significant amino acid residue. For these reasons, this variant has been classified as Pathogenic. This variant, c.6249_6254del, results in the deletion of 2 amino acid(s) of the FBN1 protein (p.Cys2084_Cys2085del), but otherwise preserves the integrity of the reading frame. This variant affects a cysteine residue in the EGF-like, TGFBP or hybrid motif domains of FBN1. Cysteine residues are believed to be involved in intramolecular disulfide bridges and have been shown to be important for FBN1 protein structure (PMID: 16905551, 19349279). In addition, missense substitutions affecting cysteine residues within these domains are significantly overrepresented among patients with Marfan syndrome (PMID: 16571647, 17701892). This variant is not present in population databases (ExAC no frequency). This variant has been observed in individual(s) with clinical features of Marfan syndrome (Invitae). Algorithms developed to predict the effect of sequence changes on RNA splicing suggest that this variant may create or strengthen a splice site.

Literature cited by the submitters: PubMed 16220557; PubMed 25907466; PubMed 16905551; PubMed 19349279; PubMed 16571647; PubMed 17701892.